The following is an entry in ClinVar:

NM_133259.4(LRPPRC):c.1650-18C>A

Gene: LRPPRC (leucine rich pentatricopeptide repeat containing; minus strand). Cytogenetic location: 2p21.
Variant type: single nucleotide variant.
Coding change: c.1650-18C>A on transcript NM_133259.4 (MANE Select); 18 bases into the intron before coding-DNA position 1650, C replaced by A.
Molecular consequence: intron variant.
Genome position (GRCh38, 1-based): chr2:43,950,618, G>T on the plus strand (C>A on the coding strand, the complement: LRPPRC is on the minus strand). VCF-style: chr2-43950618-G-T. GRCh37 (hg19) VCF-style: chr2-44177757-G-T.
Identifiers: ClinVar variation 509063 (VCV000509063.1), dbSNP rs1553404839, ClinGen allele CA658795718.

ClinVar aggregate classification (germline): Likely benign (1 of 4 stars; one submission).

gnomAD v4.1: 1 of 1,610,616 alleles (0.000062%); highest among the groups gnomAD compares: Non-Finnish European, 0.000085%; no homozygotes.

Submission:

GeneDx
Classification: Likely benign. Last evaluated: 2017-05-01. Review status: criteria provided, single submitter. Criteria: GeneDx Variant Classification (06012015). Collection method: clinical testing. Allele origin: germline. Affected: yes.
Comment: This variant is considered likely benign or benign based on one or more of the following criteria: it is a conservative change, it occurs at a poorly conserved position in the protein, it is predicted to be benign by multiple in silico algorithms, and/or has population frequency not consistent with disease.